The following is an entry in ClinVar:

NM_016148.5(SHANK1):c.3027G>C (p.Pro1009=)

Gene: SHANK1 (SH3 and multiple ankyrin repeat domains 1; minus strand). Cytogenetic location: 19q13.33.
Variant type: single nucleotide variant.
Coding change: c.3027G>C on transcript NM_016148.5 (MANE Select); coding-DNA position 3027, G replaced by C.
Protein change: p.Pro1009=; no amino-acid change (proline 1009 retained).
Molecular consequence: synonymous variant.
Genome position (GRCh38, 1-based): chr19:50,668,933, C>G on the plus strand (G>C on the coding strand, the complement: SHANK1 is on the minus strand). VCF-style: chr19-50668933-C-G. GRCh37 (hg19) VCF-style: chr19-51172190-C-G.
Identifiers: ClinVar variation 2650359 (VCV002650359.24), dbSNP rs1269225255, ClinGen allele CA508311321.

ClinVar aggregate classification (germline): Likely benign (1 of 4 stars; one submission).

Submission:

CeGaT Center for Human Genetics Tuebingen
Classification: Likely benign. Last evaluated: 2025-02-01. Review status: criteria provided, single submitter. Criteria: CeGaT Center For Human Genetics Tuebingen Variant Classification Criteria Version 2. Collection method: clinical testing. Allele origin: germline. Affected: yes. Observed: 3 variant alleles.
Comment: SHANK1: BP4, BP7